The following is an entry in ClinVar:

NM_001182.5(ALDH7A1):c.1364T>C (p.Leu455Pro)

Gene: ALDH7A1 (aldehyde dehydrogenase 7 family member A1; minus strand). Cytogenetic location: 5q23.2.
Variant type: single nucleotide variant.
Coding change: c.1364T>C on transcript NM_001182.5 (MANE Select); coding-DNA position 1364, T replaced by C.
Protein change: p.Leu455Pro; replaces leucine 455 with proline.
Molecular consequence: missense variant.
Genome position (GRCh38, 1-based): chr5:126,550,247, A>G on the plus strand (T>C on the coding strand, the complement: ALDH7A1 is on the minus strand). VCF-style: chr5-126550247-A-G. GRCh37 (hg19) VCF-style: chr5-125885939-A-G.
Other names: c.1280T>C, p.Leu427Pro (NM_001201377.2); c.1172T>C, p.Leu391Pro (NM_001202404.2); short protein forms L391P, L427P, L455P.
Identifiers: ClinVar variation 3776185 (VCV003776185.1).

ClinVar aggregate classification (germline): Uncertain significance (1 of 4 stars; one submission).

Conditions:
Pyridoxine-dependent epilepsy (EPEO4). Also called: EPILEPSY, EARLY-ONSET, 4, VITAMIN B6-DEPENDENT; PYRIDOXINE DEPENDENCY WITH SEIZURES; Pyridoxine-Dependent Seizures; Pyridoxine-Dependent Epilepsy - ALDH7A1. Identifiers: Orphanet 3006, MedGen C1849508, MONDO:0009945, OMIM 266100. Disease mechanism: loss of function.

Submission:

3billion
Classification: Uncertain significance for Pyridoxine-dependent epilepsy. Last evaluated: 2023-08-21. Review status: criteria provided, single submitter. Criteria: ACMG Guidelines, 2015. Collection method: clinical testing. Allele origin: germline. Affected: yes.
Comment: The variant is not observed in the gnomAD v2.1.1 dataset. Predicted Consequence/Location: Missense variant In silico tool predictions suggest damaging effect of the variant on gene or gene product [REVEL: 0.95 (>=0.6, sensitivity 0.68 and specificity 0.92); 3Cnet: 0.99 (>=0.6, sensitivity 0.72 and precision 0.9)]. Same nucleotide change resulting in same amino acid change has been previously reported to be associated with ALDH7A1 related disorder (PMID: 23054014). However, the evidence of pathogenicity is insufficient at this time. Therefore, this variant is classified as VUS according to the recommendation of ACMG/AMP guideline.

Literature cited by the submitters: PubMed 23054014.